The following is an entry in ClinVar:

ClinVar aggregate classification (germline): Conflicting classifications of pathogenicity. Review status: criteria provided, conflicting classifications (1 of 4 stars). 6 submissions from 5 submitters: Uncertain significance (4); Likely benign (2). Last evaluated 2025-02-21.

Conditions:
Autosomal recessive nonsyndromic hearing loss 12. Also called: DEAFNESS, AUTOSOMAL RECESSIVE 12. Identifiers: Orphanet 90636, MedGen C1832394, MONDO:0011067, OMIM 601386.
Usher syndrome type 1D (USH1D). Also called: USHER SYNDROME, TYPE ID. Identifiers: Orphanet 231169, Orphanet 886, MedGen C1832845, MONDO:0010984, OMIM 601067.

Allele frequency attached by ClinVar (database versions not stated): 1000 Genomes Project 30x 0.00016; 1000 Genomes Project 0.00020; ExAC 0.00024; gnomAD 0.00027 and 0.00029; gnomAD exomes 0.00020; ESP Exome Variant Server 0.00040; TOPMed 0.00028.
gnomAD v4.1: 758 of 1,613,972 alleles (0.047%); highest among the groups gnomAD compares: Non-Finnish European, 0.057%; no homozygotes.

Submissions (6):

GeneDx
Classification: Uncertain significance. Last evaluated: 2025-02-21. Review status: criteria provided, single submitter. Criteria: GeneDx Variant Classification Process June 2021. Collection method: clinical testing. Allele origin: germline. Affected: yes.
Comment: Reported as likely benign in published literature due to lack of segregation with the phenotype but additional evidence is not available (PMID: 28900111, 22135276); In silico analysis indicates that this missense variant does not alter protein structure/function; This variant is associated with the following publications: (PMID: 22135276, 28900111, ShiJun2017[Case Report])

Blueprint Genetics
Classification: Likely benign. Last evaluated: 2024-10-02. Review status: criteria provided, single submitter. Criteria: ACMG Guidelines, 2015. Collection method: clinical testing. Allele origin: germline.

Labcorp Genetics (formerly Invitae), Labcorp
Classification: Uncertain significance. Last evaluated: 2022-09-13. Review status: criteria provided, single submitter. Criteria: Invitae Variant Classification Sherloc (09022015). Collection method: clinical testing. Allele origin: germline.
Comment: This sequence change replaces valine, which is neutral and non-polar, with isoleucine, which is neutral and non-polar, at codon 1299 of the CDH23 protein (p.Val1299Ile). This variant is present in population databases (rs201610096, gnomAD 0.03%). This variant has not been reported in the literature in individuals affected with CDH23-related conditions. ClinVar contains an entry for this variant (Variation ID: 45932). Advanced modeling of protein sequence and biophysical properties (such as structural, functional, and spatial information, amino acid conservation, physicochemical variation, residue mobility, and thermodynamic stability) performed at Invitae indicates that this missense variant is not expected to disrupt CDH23 protein function. In summary, the available evidence is currently insufficient to determine the role of this variant in disease. Therefore, it has been classified as a Variant of Uncertain Significance.

Illumina Laboratory Services, Illumina
Classification: Uncertain significance for Usher syndrome type 1D. Last evaluated: 2017-04-28. Review status: criteria provided, single submitter. Criteria: ICSL Variant Classification Criteria 13 December 2019. Collection method: clinical testing. Allele origin: germline.

Illumina Laboratory Services, Illumina
Classification: Uncertain significance for Autosomal recessive nonsyndromic hearing loss 12. Last evaluated: 2017-04-28. Review status: criteria provided, single submitter. Criteria: ICSL Variant Classification Criteria 13 December 2019. Collection method: clinical testing. Allele origin: germline.

Laboratory for Molecular Medicine, Mass General Brigham Personalized Medicine
Classification: Likely benign. Last evaluated: 2013-07-05. Review status: criteria provided, single submitter. Criteria: LMM Criteria. Collection method: clinical testing. Allele origin: germline. Observed: 2 variant alleles.
Comment: Val1299Ile in Exon 32A of CDH23: This variant is not expected to have clinical s ignificance because it has been identified in 0.1% (1/593) of European chromosom es by the ClinSeq project and in 0.06% (5/8414) of European American chromosomes by the NHLBI Exome Sequencing Project (dbSNP rs201610096), is reported as likely benign (Le Quesne Stabej 2012), and the val ine (Val) residue at position 1299 is not conserved in lower species with frog h aving an isoleucine (Ile).

Literature cited by the submitters: PubMed 22135276 (cited by Laboratory for Molecular Medicine, Mass General Brigham Personalized Medicine).

NM_022124.6(CDH23):c.3895G>A (p.Val1299Ile)

Genes: C10orf105 (chromosome 10 open reading frame 105; minus strand), CDH23 (cadherin related 23; plus strand). Cytogenetic location: 10q22.1.
Variant type: single nucleotide variant.
Coding change: c.3895G>A on transcript NM_022124.6 (MANE Select); coding-DNA position 3895, G replaced by A.
Protein change: p.Val1299Ile; replaces valine 1299 with isoleucine.
Molecular consequence: missense variant. On other transcripts: intron variant (1).
Genome position (GRCh38, 1-based): chr10:71,732,166, G>A. VCF-style: chr10-71732166-G-A. GRCh37 (hg19) VCF-style: chr10-73491923-G-A.
Other names: c.3895G>A, p.Val1299Ile (NM_001171930.2); c.-6+5562C>T (NM_001168390.2); short protein forms V1299I.
Identifiers: ClinVar variation 45932 (VCV000045932.18), dbSNP rs201610096, ClinGen allele CA137399.